The following is an entry in ClinVar:

ClinVar aggregate classification (germline): Likely benign (1 of 4 stars; one submission).

Conditions:
Parkinson disease 17 (PARK17). Also called: VPS35-Related Parkinson Disease. Identifiers: Orphanet 411602, MedGen C3280133, MONDO:0013625, OMIM 614203.

Allele frequency attached by ClinVar (database versions not stated): 1000 Genomes Project 30x 0.00016; ESP Exome Variant Server 0.00031; TOPMed 0.00049; gnomAD 0.00054.
gnomAD v4.1: 932 of 1,603,468 alleles (0.058%); highest among the groups gnomAD compares: Middle Eastern, 0.32%; no homozygotes.

Submissions (2):

Illumina Laboratory Services, Illumina
Classification: Likely benign for Parkinson disease 17. Last evaluated: 2018-01-13. Review status: criteria provided, single submitter. Criteria: ICSL Variant Classification Criteria 13 December 2019. Collection method: clinical testing. Allele origin: germline.
Comment: This variant was observed in the ICSL laboratory as part of a predisposition screen in an ostensibly healthy population. It had not been previously curated by ICSL or reported in the Human Gene Mutation Database (HGMD: prior to June 1st, 2018), and was therefore a candidate for classification through an automated scoring system. Utilizing variant allele frequency, disease prevalence and penetrance estimates, and inheritance mode, an automated score was calculated to assess if this variant is too frequent to cause the disease. Based on the score and internal cut-off values, a variant classified as likely benign is not then subjected to further curation. The score for this variant resulted in a classification of likely benign for this disease.

Dr. Peter K. Rogan Lab, Western University
No classification provided (evidence only). Condition: Malignant tumor of esophagus. Review status: no classification provided. Collection method: in vitro. Allele origin: not applicable. Functional consequence: retained intron. Not counted in ClinVar's aggregate classification.

NM_018206.6(VPS35):c.-35C>T

Gene: VPS35 (VPS35 retromer complex component; minus strand). Cytogenetic location: 16q11.2.
Variant type: single nucleotide variant.
Coding change: c.-35C>T on transcript NM_018206.6 (MANE Select); 35 bases upstream of the start codon, C replaced by T.
Molecular consequence: 5 prime UTR variant.
Genome position (GRCh38, 1-based): chr16:46,689,168, G>A on the plus strand (C>T on the coding strand, the complement: VPS35 is on the minus strand). VCF-style: chr16-46689168-G-A. GRCh37 (hg19) VCF-style: chr16-46723080-G-A.
Other names: NC_000016.9:g.46723080G>A.
Identifiers: ClinVar variation 319299 (VCV000319299.6), dbSNP rs189775907, ClinGen allele CA8037192.